The following is an entry in ClinVar:

NC_000013.10:g.(?_32889617)_(32969090_?)dup

Gene: BRCA2 (BRCA2 DNA repair associated; plus strand). Cytogenetic location: 13q13.1.
Variant type: Duplication.
Identifiers: ClinVar variation 1509776 (VCV001509776.7).

ClinVar aggregate classification (germline): Uncertain significance (1 of 4 stars; one submission).

Conditions:
Hereditary breast ovarian cancer syndrome. Also called: BRCA1- and BRCA2-Associated Hereditary Breast and Ovarian Cancer; Hereditary breast and ovarian cancer; Hereditary breast and/or ovarian cancer syndrome; Hereditary breast and ovarian cancer syndrome (HBOC); Breast and ovarian cancer; Hereditary breast and ovarian cancer syndrome. Identifiers: Orphanet 145, MedGen C0677776, MeSH D061325, MONDO:0003582. Disease mechanism: loss of function.

Submission:

Labcorp Genetics (formerly Invitae), Labcorp
Classification: Uncertain significance for Hereditary breast ovarian cancer syndrome. Last evaluated: 2022-11-01. Review status: criteria provided, single submitter. Criteria: Invitae Variant Classification Sherloc (09022015). Collection method: clinical testing. Allele origin: germline.
Comment: In summary, the available evidence is currently insufficient to determine the role of this variant in disease. Therefore, it has been classified as a Variant of Uncertain Significance. Experimental studies and prediction algorithms are not available or were not evaluated, and the functional significance of this variant is currently unknown. This variant has not been reported in the literature in individuals affected with BRCA2-related conditions. This variant results in a copy number gain of the genomic region encompassing exon(s) 1-25 of the BRCA2 gene. This region includes the initiator codon of the gene. This copy number gain extends beyond the assayed region for this gene and therefore may encompass additional genes. As the precise location of this event is unknown, it may be in tandem or it may be located elsewhere in the genome.